The following is an entry in ClinVar:

NC_000005.9:g.(?_155756587)_(156186401_?)dup

Gene: SGCD (sarcoglycan delta; plus strand). Cytogenetic location: 5q33.3.
Variant type: Duplication.
Identifiers: ClinVar variation 2422921 (VCV002422921.5).

ClinVar aggregate classification (germline): Uncertain significance (1 of 4 stars; one submission).

Conditions:
Autosomal recessive limb-girdle muscular dystrophy type 2F (LGMDR6). Also called: Muscular dystrophy limb-girdle with delta-sarcoglyan deficiency; MUSCULAR DYSTROPHY, LIMB-GIRDLE, AUTOSOMAL RECESSIVE 6. Identifiers: Orphanet 219, MedGen C1832525, MONDO:0011028, OMIM 601287. Disease mechanism: Affects gamma-sarcoglycan and also disrupts the integrity of the entire sarcoglycan complex..

Submission:

Labcorp Genetics (formerly Invitae), Labcorp
Classification: Uncertain significance for Autosomal recessive limb-girdle muscular dystrophy type 2F. Last evaluated: 2022-06-23. Review status: criteria provided, single submitter. Criteria: Invitae Variant Classification Sherloc (09022015). Collection method: clinical testing. Allele origin: germline.
Comment: A copy number gain of the genomic region encompassing the full coding sequence of the SGCD gene has been identified. The boundaries of this event are unknown as they extend beyond the assayed region for this gene and therefore may encompass additional genes. As the precise location of this event is unknown, it may be in tandem or it may be located elsewhere in the genome. This variant has not been reported in the literature in individuals affected with SGCD-related conditions. In summary, the available evidence is currently insufficient to determine the role of this variant in disease. Therefore, it has been classified as a Variant of Uncertain Significance.